The following is an entry in ClinVar:

NM_024928.5(STN1):c.794G>A (p.Ser265Asn)

Gene: STN1 (STN1 subunit of CST complex; minus strand). Cytogenetic location: 10q24.33.
Variant type: single nucleotide variant.
Coding change: c.794G>A on transcript NM_024928.5 (MANE Select); coding-DNA position 794, G replaced by A.
Protein change: p.Ser265Asn; replaces serine 265 with asparagine.
Molecular consequence: missense variant.
Genome position (GRCh38, 1-based): chr10:103,892,212, C>T on the plus strand (G>A on the coding strand, the complement: STN1 is on the minus strand). VCF-style: chr10-103892212-C-T. GRCh37 (hg19) VCF-style: chr10-105651970-C-T.
Other names: short protein forms S265N.
Identifiers: ClinVar variation 1480820 (VCV001480820.6), dbSNP rs139258012, ClinGen allele CA5676500.

ClinVar aggregate classification (germline): Uncertain significance (1 of 4 stars; one submission).

Allele frequency attached by ClinVar (database versions not stated): ExAC 0.00001; gnomAD 0.00001; gnomAD exomes 0.00001 and 0.00002; TOPMed 0.00001.
gnomAD v4.1: 11 of 1,605,704 alleles (0.00069%); highest among the groups gnomAD compares: South Asian, 0.0011%; no homozygotes.

Submission:

Labcorp Genetics (formerly Invitae), Labcorp
Classification: Uncertain significance. Last evaluated: 2021-07-14. Review status: criteria provided, single submitter. Criteria: Invitae Variant Classification Sherloc (09022015). Collection method: clinical testing. Allele origin: germline.
Comment: This sequence change replaces serine with asparagine at codon 265 of the STN1 protein (p.Ser265Asn). The serine residue is moderately conserved and there is a small physicochemical difference between serine and asparagine. This variant is present in population databases (rs139258012, ExAC 0.002%). This variant has not been reported in the literature in individuals with STN1-related conditions. Algorithms developed to predict the effect of missense changes on protein structure and function output the following: SIFT: "Tolerated"; PolyPhen-2: "Benign"; Align-GVGD: "Class C0". The asparagine amino acid residue is found in multiple mammalian species, suggesting that this missense change does not adversely affect protein function. These predictions have not been confirmed by published functional studies and their clinical significance is uncertain. In summary, the available evidence is currently insufficient to determine the role of this variant in disease. Therefore, it has been classified as a Variant of Uncertain Significance.